The following is an entry in ClinVar:

ClinVar aggregate classification (germline): Uncertain significance. Review status: criteria provided, multiple submitters, no conflicts (2 of 4 stars). 3 submissions from 3 submitters: Uncertain significance (3). Last evaluated 2024-01-29.

Conditions:
Naxos disease (NXD). Also called: KERATOSIS PALMOPLANTARIS WITH ARRHYTHMOGENIC CARDIOMYOPATHY; MAL DE NAXOS; PALMOPLANTAR KERATODERMA WITH ARRHYTHMOGENIC RIGHT VENTRICULAR CARDIOMYOPATHY AND WOOLLY HAIR; WOOLLY HAIR, PALMOPLANTAR KERATODERMA, AND CARDIAC ABNORMALITIES; CARDIOMYOPATHY, ARRHYTHMOGENIC RIGHT VENTRICULAR, WITH SKIN, HAIR, AND NAIL ABNORMALITIES. Identifiers: Orphanet 34217, MedGen C1832600, MONDO:0011017, OMIM 601214.
Arrhythmogenic right ventricular dysplasia 12. Also called: ARRHYTHMOGENIC RIGHT VENTRICULAR DYSPLASIA, FAMILIAL, 12. Identifiers: MedGen C1969081, MONDO:0012684, OMIM 611528.

Allele frequency attached by ClinVar (database versions not stated): gnomAD exomes below 0.00001 and 0.00002; TOPMed below 0.00001; gnomAD 0.00001; ExAC 0.00002; 1000 Genomes Project 30x 0.00031; 1000 Genomes Project 0.00040.
gnomAD v4.1: 6 of 1,614,112 alleles (0.00037%); highest among the groups gnomAD compares: Admixed American, 0.0033%; no homozygotes.

Submissions (3):

GeneDx
Classification: Uncertain significance. Last evaluated: 2024-01-29. Review status: criteria provided, single submitter. Criteria: GeneDx Variant Classification Process June 2021. Collection method: clinical testing. Allele origin: germline. Affected: yes.
Comment: Not observed at significant frequency in large population cohorts (gnomAD); In silico analysis supports that this missense variant does not alter protein structure/function; Has not been previously published as pathogenic or benign to our knowledge

Labcorp Genetics (formerly Invitae), Labcorp
Classification: Uncertain significance for Arrhythmogenic right ventricular dysplasia 12; Naxos disease. Last evaluated: 2023-05-22. Review status: criteria provided, single submitter. Criteria: Invitae Variant Classification Sherloc (09022015). Collection method: clinical testing. Allele origin: germline.
Comment: This variant is present in population databases (rs541560189, gnomAD 0.006%). This sequence change replaces asparagine, which is neutral and polar, with serine, which is neutral and polar, at codon 278 of the JUP protein (p.Asn278Ser). This variant has not been reported in the literature in individuals affected with JUP-related conditions. ClinVar contains an entry for this variant (Variation ID: 836012). An algorithm developed to predict the effect of missense changes on protein structure and function (PolyPhen-2) suggests that this variant is likely to be tolerated. In summary, the available evidence is currently insufficient to determine the role of this variant in disease. Therefore, it has been classified as a Variant of Uncertain Significance.

Fulgent Genetics
Classification: Uncertain significance for Naxos disease; Arrhythmogenic right ventricular dysplasia 12. Last evaluated: 2021-10-06. Review status: criteria provided, single submitter. Criteria: ACMG Guidelines, 2015. Collection method: clinical testing. Allele origin: unknown.

NM_002230.4(JUP):c.833A>G (p.Asn278Ser)

Gene: JUP (junction plakoglobin; minus strand). Cytogenetic location: 17q21.2.
Variant type: single nucleotide variant.
Coding change: c.833A>G on transcript NM_002230.4 (MANE Select); coding-DNA position 833, A replaced by G.
Protein change: p.Asn278Ser; replaces asparagine 278 with serine.
Molecular consequence: missense variant.
Genome position (GRCh38, 1-based): chr17:41,767,455, T>C on the plus strand (A>G on the coding strand, the complement: JUP is on the minus strand). VCF-style: chr17-41767455-T-C. GRCh37 (hg19) VCF-style: chr17-39923707-T-C.
Other names: c.833A>G, p.Asn278Ser (NM_001352773.2, NM_001352774.2, NM_001352775.2 and 3 more transcripts); short protein forms N278S.
Identifiers: ClinVar variation 836012 (VCV000836012.12), dbSNP rs541560189, ClinGen allele CA8565373.
Genomic context (GRCh38, chr17:41,767,455, plus strand): 5'-CCGTAGGCCAGGAGCTGCAGGCAGTCGGTGGTGATGGCCAGGAACTTGGGGTTGTTCTTG[T>C]TGAGCAGGGGCACCATCTTTTGCAGCCCGTCGGCCAGGCGCACGGCCATCTTGGCGCCCT-3'
Protein context (NP_002221.1, residues 268-288): DGLQKMVPLL[Asn278Ser]KNNPKFLAIT